The following is an entry in ClinVar:

ClinVar aggregate classification (germline): Likely pathogenic (3 of 4 stars; one submission).

Conditions:
Glanzmann thrombasthenia. Also called: Glanzmann's thrombasthenia; PLATELET GLYCOPROTEIN IIb-IIIa DEFICIENCY; BLEEDING DISORDER, PLATELET-TYPE, 2; THROMBASTHENIA OF GLANZMANN AND NAEGELI; Thrombasthenia. Identifiers: Orphanet 849, MedGen C0040015, MONDO:0100326.

Submission:

ClinGen Platelet Disorders Variant Curation Expert Panel, ClinGen
Classification: Likely pathogenic for Glanzmann thrombasthenia. Last evaluated: 2023-11-02. Review status: reviewed by expert panel. Criteria: ClinGen Platelet ACMG Specifications v2-1. Collection method: curation. Allele origin: germline. Inheritance: Autosomal recessive inheritance.
Comment: The NM_000419.5(ITGA2B):c.571T>G (p.Phe191Val) variant has been reported in at least 1 compound heterozygous GT proband (PMID:25728920) with a phenotype highly specific to Glanzmann thrombasthenia with mucocutaneous bleeding, impaired aggregation with all agonists except ristocetin, and reduced surface expression of αIIbβ3 measured by flow cytometry (PP4_Strong). It is absent from population databases, including gnomADv2.1.1 (PM2_supporting). Splicing predictors, HSF and SpliceAI, agree that there is activation of a cryptic donor site with potential alteration of splicing. This was confirmed by minigene study in PMID: 20020534; sequencing revealed the most common transcript contained a 4-bp deletion that introduced a frameshift and a premature stop codon in exon 7 of 30 (PM4). In summary, this variant meets criteria to be classified as likely pathogenic for GT. GT-specific criteria applied: PM2_Supporting, PM4, and PP4_Strong.

NM_000419.5(ITGA2B):c.571T>G (p.Phe191Val)

Gene: ITGA2B (integrin subunit alpha 2b; minus strand). Cytogenetic location: 17q21.31.
Variant type: single nucleotide variant.
Coding change: c.571T>G on transcript NM_000419.5 (MANE Select); coding-DNA position 571, T replaced by G.
Protein change: p.Phe191Val; replaces phenylalanine 191 with valine.
Molecular consequence: missense variant.
Genome position (GRCh38, 1-based): chr17:44,385,554, A>C on the plus strand (T>G on the coding strand, the complement: ITGA2B is on the minus strand). VCF-style: chr17-44385554-A-C. GRCh37 (hg19) VCF-style: chr17-42462922-A-C.
Other names: short protein forms F191V.
Identifiers: ClinVar variation 996171 (VCV000996171.3), dbSNP rs2048639566, ClinGen allele CA399805699.
Genomic context (GRCh38, chr17:44,385,554, plus strand): 5'-TGGGGGCGGGGCCAAGCCGTCGCGAGTGGGCGGGGCCAGGTCGTAGCTGGCGCTTACTAA[A>C]ATCATTTTCCACGTAAATGCGGCTCAGGGTGTTCCCGCGACAGGGGGAGTACTCGGCGCG-3'
Protein context (NP_000410.2, residues 181-201): TLSRIYVEND[Phe191Val]SWDKRYCEAG